The following is an entry in ClinVar:

NM_032444.4(SLX4):c.2246G>A (p.Arg749His)

Gene: SLX4 (SLX4 structure-specific endonuclease subunit; minus strand). Cytogenetic location: 16p13.3.
Variant type: single nucleotide variant.
Coding change: c.2246G>A on transcript NM_032444.4 (MANE Select); coding-DNA position 2246, G replaced by A.
Protein change: p.Arg749His; replaces arginine 749 with histidine.
Molecular consequence: missense variant.
Genome position (GRCh38, 1-based): chr16:3,592,780, C>T on the plus strand (G>A on the coding strand, the complement: SLX4 is on the minus strand). VCF-style: chr16-3592780-C-T. GRCh37 (hg19) VCF-style: chr16-3642781-C-T.
Other names: short protein forms R749H.
Identifiers: ClinVar variation 949523 (VCV000949523.10), dbSNP rs140109914, ClinGen allele CA7866221.
Genomic context (GRCh38, chr16:3,592,780, plus strand): 5'-TCAGAGCTAAGGCCAGGAGGAAGGCCAGTGTCCGCAGTGTAGAGATAGTGCAGGAACGTG[C>T]GGGCGGCCTCGGTGCTCACGTCACCCAGCAGGACACGCTGGGTCAGAACCCCGTCCTCTA-3'
Protein context (NP_115820.2, residues 739-759): LLGDVSTEAA[Arg749His]TFLHYLYTAD

ClinVar aggregate classification (germline): Uncertain significance (1 of 4 stars; one submission).

Conditions:
Fanconi anemia (FA). Also called: Fanconi's anemia. Identifiers: Orphanet 84, MedGen C0015625, MeSH D005199, MONDO:0019391.

Allele frequency attached by ClinVar (database versions not stated): ExAC 0.00001; gnomAD exomes 0.00002; TOPMed 0.00002; ESP Exome Variant Server 0.00008; 1000 Genomes Project 30x 0.00016; 1000 Genomes Project 0.00020.
gnomAD v4.1: 47 of 1,612,712 alleles (0.0029%); highest among the groups gnomAD compares: East Asian, 0.0045%; no homozygotes.

Submission:

Labcorp Genetics (formerly Invitae), Labcorp
Classification: Uncertain significance for Fanconi anemia. Last evaluated: 2024-10-29. Review status: criteria provided, single submitter. Criteria: Invitae Variant Classification Sherloc (09022015). Collection method: clinical testing. Allele origin: germline.
Comment: This sequence change replaces arginine, which is basic and polar, with histidine, which is basic and polar, at codon 749 of the SLX4 protein (p.Arg749His). This variant is present in population databases (rs140109914, gnomAD 0.007%). This variant has not been reported in the literature in individuals affected with SLX4-related conditions. ClinVar contains an entry for this variant (Variation ID: 949523). An algorithm developed to predict the effect of missense changes on protein structure and function outputs the following: PolyPhen-2: "Benign". The histidine amino acid residue is found in multiple mammalian species, which suggests that this missense change does not adversely affect protein function. In summary, the available evidence is currently insufficient to determine the role of this variant in disease. Therefore, it has been classified as a Variant of Uncertain Significance.